The following is an entry in ClinVar:

ClinVar aggregate classification (germline): Uncertain significance (1 of 4 stars; one submission).

Submission:

Labcorp Genetics (formerly Invitae), Labcorp
Classification: Uncertain significance. Last evaluated: 2023-01-22. Review status: criteria provided, single submitter. Criteria: Invitae Variant Classification Sherloc (09022015). Collection method: clinical testing. Allele origin: germline.
Comment: In summary, the available evidence is currently insufficient to determine the role of this variant in disease. Therefore, it has been classified as a Variant of Uncertain Significance. Algorithms developed to predict the effect of missense changes on protein structure and function (SIFT, PolyPhen-2, Align-GVGD) all suggest that this variant is likely to be disruptive. This variant has not been reported in the literature in individuals affected with CLCN6-related conditions. This variant is not present in population databases (gnomAD no frequency). This sequence change replaces alanine, which is neutral and non-polar, with glycine, which is neutral and non-polar, at codon 251 of the CLCN6 protein (p.Ala251Gly).

NM_001286.5(CLCN6):c.752C>G (p.Ala251Gly)

Gene: CLCN6 (chloride voltage-gated channel 6; plus strand). Cytogenetic location: 1p36.22.
Variant type: single nucleotide variant.
Coding change: c.752C>G on transcript NM_001286.5 (MANE Select); coding-DNA position 752, C replaced by G.
Protein change: p.Ala251Gly; replaces alanine 251 with glycine.
Molecular consequence: missense variant. On other transcripts: non-coding transcript variant (1).
Genome position (GRCh38, 1-based): chr1:11,827,133, C>G. VCF-style: chr1-11827133-C-G. GRCh37 (hg19) VCF-style: chr1-11887190-C-G.
Other names: c.686C>G, p.Ala229Gly (NM_001256959.2); short protein forms A229G, A251G.
Identifiers: ClinVar variation 2826712 (VCV002826712.3), dbSNP rs2523121320, ClinGen allele CA338428744.